The following is an entry in ClinVar:

NM_003611.3(OFD1):c.550G>A (p.Ala184Thr)

Gene: OFD1 (OFD1 centriole and centriolar satellite protein; plus strand). Cytogenetic location: Xp22.2.
Variant type: single nucleotide variant.
Coding change: c.550G>A on transcript NM_003611.3 (MANE Select); coding-DNA position 550, G replaced by A.
Protein change: p.Ala184Thr; replaces alanine 184 with threonine.
Molecular consequence: missense variant.
Genome position (GRCh38, 1-based): chrX:13,746,351, G>A. VCF-style: chrX-13746351-G-A. GRCh37 (hg19) VCF-style: chrX-13764470-G-A.
Other names: c.550G>A, p.Ala184Thr (NM_001330209.2); c.130G>A, p.Ala44Thr (NM_001330210.2); short protein forms A44T, A184T.
Identifiers: ClinVar variation 2118970 (VCV002118970.4), dbSNP rs370879385, ClinGen allele CA10351644.

ClinVar aggregate classification (germline): Uncertain significance (1 of 4 stars; one submission).

Conditions:
Joubert syndrome. Also called: CEREBELLOPARENCHYMAL DISORDER IV; JOUBERT-BOLTSHAUSER SYNDROME; Familial aplasia of the vermis. Identifiers: Orphanet 475, MedGen C5979921, MONDO:0018772.
Orofaciodigital syndrome I (OFD1). Also called: OFDS I; Papillon-Leage and Psaume Syndrome; Oral-Facial-Digital Syndrome Type I. Identifiers: Orphanet 2750, MedGen C1510460, MONDO:0010702, OMIM 311200.

Allele frequency attached by ClinVar (database versions not stated): TOPMed below 0.00001; ExAC 0.00001; gnomAD 0.00001; ESP Exome Variant Server 0.00009.
gnomAD v4.1: 1 of 1,202,483 alleles (0.000083%); highest among the groups gnomAD compares: African/African-American, 0.0017%; no homozygotes.

Submission:

Labcorp Genetics (formerly Invitae), Labcorp
Classification: Uncertain significance for Orofaciodigital syndrome I; Joubert syndrome. Last evaluated: 2023-12-07. Review status: criteria provided, single submitter. Criteria: Invitae Variant Classification Sherloc (09022015). Collection method: clinical testing. Allele origin: germline.
Comment: This sequence change replaces alanine, which is neutral and non-polar, with threonine, which is neutral and polar, at codon 184 of the OFD1 protein (p.Ala184Thr). This variant is present in population databases (rs370879385, gnomAD 0.008%). This variant has not been reported in the literature in individuals affected with OFD1-related conditions. ClinVar contains an entry for this variant (Variation ID: 2118970). Advanced modeling of protein sequence and biophysical properties (such as structural, functional, and spatial information, amino acid conservation, physicochemical variation, residue mobility, and thermodynamic stability) performed at Invitae indicates that this missense variant is expected to disrupt OFD1 protein function with a positive predictive value of 80%. In summary, the available evidence is currently insufficient to determine the role of this variant in disease. Therefore, it has been classified as a Variant of Uncertain Significance.